The following is an entry in ClinVar:

ClinVar aggregate classification (germline): Likely pathogenic (1 of 4 stars; one submission).

Conditions:
Cerebral arteriopathy, autosomal recessive, with subcortical infarcts and leukoencephalopathy 2. Also called: MAEDA SYNDROME; CARASIL syndrome; SUBCORTICAL VASCULAR ENCEPHALOPATHY, PROGRESSIVE; Cerebral autosomal recessive arteriopathy with subcortical infarcts and leukoencephalopathy; CEREBROVASCULAR DISEASE WITH THIN SKIN, ALOPECIA, AND DISC DISEASE. Identifiers: Orphanet 199354, MedGen C6022615, MONDO:0010829, OMIM 600142.

Submission:

Variantyx, Inc.
Classification: Likely pathogenic for Cerebral arteriopathy, autosomal recessive, with subcortical infarcts and leukoencephalopathy 2. Last evaluated: 2026-01-06. Review status: criteria provided, single submitter. Criteria: Variantyx Assertion Criteria 2022. Collection method: clinical testing. Allele origin: germline. Inheritance: Autosomal recessive inheritance. Affected: yes.
Comment: This is a nonsense variant in the HTRA1 gene (OMIM: 602194). Pathogenic variants in this gene have been associated with autosomal recessive cerebral arteriopathy with subcortical infarcts and leukoencephalopathy type 2. This variant introduces a premature termination codon in exon 2 out of 9 and is expected to result in loss of function, which is a known disease mechanism for HTRA1 in this disorder (PMID: 35074002, 29725820) (PVS1). This variant is absent from control populations (PM2) and it has not been reported in individuals with HTRA1-related disorders in the databases available for review. Based on the current evidence, this variant is classified as likely pathogenic for autosomal recessive cerebral arteriopathy with subcortical infarcts and leukoencephalopathy type 2. Based on the genomic data, these variants are in trans.

Literature cited by the submitters: PubMed 35074002; PubMed 29725820.

NM_002775.5(HTRA1):c.532A>T (p.Lys178Ter)

Gene: HTRA1 (HtrA serine peptidase 1; plus strand). Cytogenetic location: 10q26.13.
Variant type: single nucleotide variant.
Coding change: c.532A>T on transcript NM_002775.5 (MANE Select); coding-DNA position 532, A replaced by T.
Protein change: p.Lys178Ter; replaces lysine 178 with a stop codon.
Molecular consequence: nonsense.
Genome position (GRCh38, 1-based): chr10:122,488,961, A>T. VCF-style: chr10-122488961-A-T. GRCh37 (hg19) VCF-style: chr10-124248477-A-T.
Other names: short protein forms K178*.
Identifiers: ClinVar variation 4850110 (VCV004850110.1).